The following is an entry in ClinVar:

ClinVar aggregate classification (germline): Uncertain significance (1 of 4 stars; one submission).

Submission:

GeneDx
Classification: Uncertain significance. Last evaluated: 2022-01-06. Review status: criteria provided, single submitter. Criteria: GeneDx Variant Classification Process June 2021. Collection method: clinical testing. Allele origin: germline. Affected: yes.
Comment: Not observed at significant frequency in large population cohorts (gnomAD); Frameshift variant predicted to result in protein truncation or nonsense mediated decay in a gene for which loss-of-function is not a known mechanism of disease; Has not been previously published as pathogenic or benign to our knowledge

NM_001100913.3(PACS2):c.566_567del (p.Gly189fs)

Gene: PACS2 (phosphofurin acidic cluster sorting protein 2; plus strand). Cytogenetic location: 14q32.33.
Variant type: Deletion.
Coding change: c.566_567del on transcript NM_001100913.3 (MANE Select); coding-DNA positions 566 to 567, 2 bases deleted (GC; older notation c.566_567delGC).
Protein change: p.Gly189fs; shifts the reading frame from glycine 189.
Molecular consequence: frameshift variant.
Genome position (GRCh38, 1-based): chr14:105,367,355-105,367,356, GC deleted. VCF-style (leftmost placement, unchanged base first): chr14-105367354-GGC-G. GRCh37 (hg19) VCF-style: chr14-105833691-GGC-G.
Other names: c.365_366del, p.Gly122fs (NM_001243127.3); c.566_567del, p.Gly189fs (NM_015197.4); short protein forms G122fs, G189fs.
Identifiers: ClinVar variation 1695742 (VCV001695742.2), dbSNP rs2141142073, ClinGen allele CA2580088513.